The following is an entry in ClinVar:

NM_020066.5(FMN2):c.2835G>T (p.Pro945=)

Gene: FMN2 (formin 2; plus strand). Cytogenetic location: 1q43.
Variant type: single nucleotide variant.
Coding change: c.2835G>T on transcript NM_020066.5 (MANE Select); coding-DNA position 2835, G replaced by T.
Protein change: p.Pro945=; no amino-acid change (proline 945 retained).
Molecular consequence: synonymous variant. On other transcripts: intron variant (1).
Genome position (GRCh38, 1-based): chr1:240,207,647, G>T. VCF-style: chr1-240207647-G-T. GRCh37 (hg19) VCF-style: chr1-240370947-G-T.
Other names: c.2847G>T, p.Pro949= (NM_001305424.2); c.1986+19385G>T (NM_001348094.2).
Identifiers: ClinVar variation 3905161 (VCV003905161.10).

ClinVar aggregate classification (germline): Likely benign (1 of 4 stars; one submission).

Submission:

CeGaT Center for Human Genetics Tuebingen
Classification: Likely benign. Last evaluated: 2026-06-01. Review status: criteria provided, single submitter. Criteria: CeGaT Center For Human Genetics Tuebingen Variant Classification Criteria Version 2. Collection method: clinical testing. Allele origin: germline. Affected: yes. Observed: 4 variant alleles.
Comment: FMN2: BP4, BP7